The following is an entry in ClinVar:

NM_001321075.3(DLG4):c.413_414del (p.Lys138fs)

Gene: DLG4 (discs large MAGUK scaffold protein 4; minus strand). Cytogenetic location: 17p13.1.
Variant type: Deletion.
Coding change: c.413_414del on transcript NM_001321075.3 (MANE Select); coding-DNA positions 413 to 414, 2 bases deleted (AA; older notation c.413_414delAA).
Protein change: p.Lys138fs; shifts the reading frame from lysine 138.
Molecular consequence: frameshift variant. On other transcripts: non-coding transcript variant (1).
Genome position (GRCh38, 1-based): chr17:7,203,515-7,203,516, TT deleted on the plus strand (AA on the coding strand, the reverse complement: DLG4 is on the minus strand); deleting any 2 consecutive bases within chr17:7,203,515-7,203,517 gives the same sequence; the c. name uses the placement nearest the transcript's 3' end. VCF-style (leftmost placement, unchanged base first): chr17-7203514-CTT-C. GRCh37 (hg19) VCF-style: chr17-7106833-CTT-C.
Other names: c.404_405del, p.Lys135fs (NM_001128827.4); c.533_534del, p.Lys178fs (NM_001321074.1); c.233_234del, p.Lys78fs (NM_001321076.3, NM_001321077.3); c.541_542delAA, p.Lys181Argfs (NM_001365.5); c.332_333del, p.Lys111fs (NM_001369566.3); short protein forms K135fs, K138fs, K178fs, K78fs, K111fs, K181fs.
Identifiers: ClinVar variation 1455262 (VCV001455262.1), dbSNP rs2142885581, ClinGen allele CA2573154581.

ClinVar aggregate classification (germline): Pathogenic (1 of 4 stars; one submission).

Submission:

Labcorp Genetics (formerly Invitae), Labcorp
Classification: Pathogenic. Last evaluated: 2020-11-05. Review status: criteria provided, single submitter. Criteria: Invitae Variant Classification Sherloc (09022015). Collection method: clinical testing. Allele origin: germline.
Comment: This sequence change creates a premature translational stop signal (p.Lys181Argfs*18) in the DLG4 gene. It is expected to result in an absent or disrupted protein product. Loss-of-function variants in DLG4 are known to be pathogenic (PMID: 27479843, 29460436). This variant is not present in population databases (ExAC no frequency). This variant has not been reported in the literature in individuals with DLG4-related conditions. For these reasons, this variant has been classified as Pathogenic.

Literature cited by the submitters: PubMed 27479843; PubMed 29460436.